The following is an entry in ClinVar:

NM_001042492.3(NF1):c.2273G>C (p.Arg758Thr)

Gene: NF1 (neurofibromin 1; plus strand). Cytogenetic location: 17q11.2.
Variant type: single nucleotide variant.
Coding change: c.2273G>C on transcript NM_001042492.3 (MANE Select); coding-DNA position 2273, G replaced by C.
Protein change: p.Arg758Thr; replaces arginine 758 with threonine.
Molecular consequence: missense variant.
Genome position (GRCh38, 1-based): chr17:31,227,239, G>C. VCF-style: chr17-31227239-G-C. GRCh37 (hg19) VCF-style: chr17-29554257-G-C.
Other names: c.2273G>C, p.Arg758Thr (NM_000267.4); short protein forms R758T.
Identifiers: ClinVar variation 963032 (VCV000963032.7), dbSNP rs2067030950, ClinGen allele CA398982743.

ClinVar aggregate classification (germline): Uncertain significance (1 of 4 stars; one submission).

Conditions:
Neurofibromatosis, type 1 (NF1). Also called: Peripheral type neurofibromatosis; VON RECKLINGHAUSEN DISEASE; NEUROFIBROMATOSIS, TYPE I, SOMATIC; Neurofibromatosis, type I. Identifiers: Orphanet 636, MedGen C0027831, MONDO:0018975, OMIM 162200. Disease mechanism: loss of function.

Submission:

Labcorp Genetics (formerly Invitae), Labcorp
Classification: Uncertain significance for Neurofibromatosis, type 1. Last evaluated: 2019-09-14. Review status: criteria provided, single submitter. Criteria: Invitae Variant Classification Sherloc (09022015). Collection method: clinical testing. Allele origin: germline.
Comment: This sequence change replaces arginine with threonine at codon 758 of the NF1 protein (p.Arg758Thr). The arginine residue is moderately conserved and there is a moderate physicochemical difference between arginine and threonine. This variant is not present in population databases (ExAC no frequency). This variant has not been reported in the literature in individuals with NF1-related conditions. Algorithms developed to predict the effect of missense changes on protein structure and function are either unavailable or do not agree on the potential impact of this missense change (SIFT: "Deleterious"; PolyPhen-2: "Probably Damaging"; Align-GVGD: "Class C0"). In summary, the available evidence is currently insufficient to determine the role of this variant in disease. Therefore, it has been classified as a Variant of Uncertain Significance.